The following is an entry in ClinVar:

ClinVar aggregate classification (germline): Uncertain significance. Review status: criteria provided, multiple submitters, no conflicts (2 of 4 stars). 3 submissions from 3 submitters: Uncertain significance (3). Last evaluated 2024-09-03.

Conditions:
Ehlers-Danlos syndrome, dermatosparaxis type. Also called: Dermatosparaxis; Ehlers-Danlos syndrome, type VII, autosomal recessive; EDS VIIC. Identifiers: Orphanet 1901, MedGen C2700425, MONDO:0009161, OMIM 225410.
Inborn genetic diseases. Identifiers: MedGen C0950123, MeSH D030342.

Allele frequency attached by ClinVar (database versions not stated): TOPMed 0.00001.

Submissions (3):

Women's Health and Genetics/Laboratory Corporation of America, LabCorp
Classification: Uncertain significance. Last evaluated: 2024-09-03. Review status: criteria provided, single submitter. Criteria: LabCorp Variant Classification Summary - May 2015. Collection method: clinical testing. Allele origin: germline.

Ambry Genetics
Classification: Uncertain significance for Inborn genetic diseases. Last evaluated: 2022-01-19. Review status: criteria provided, single submitter. Criteria: Ambry Variant Classification Scheme 2023. Collection method: clinical testing. Allele origin: germline.

Labcorp Genetics (formerly Invitae), Labcorp
Classification: Uncertain significance for Ehlers-Danlos syndrome, dermatosparaxis type. Last evaluated: 2021-08-31. Review status: criteria provided, single submitter. Criteria: Invitae Variant Classification Sherloc (09022015). Collection method: clinical testing. Allele origin: germline.
Comment: This sequence change replaces alanine with proline at codon 41 of the ADAMTS2 protein (p.Ala41Pro). The alanine residue is moderately conserved and there is a small physicochemical difference between alanine and proline. The frequency data for this variant in the population databases is considered unreliable, as metrics indicate insufficient coverage at this position in the ExAC database. This variant has not been reported in the literature in individuals affected with ADAMTS2-related conditions. In summary, the available evidence is currently insufficient to determine the role of this variant in disease. Therefore, it has been classified as a Variant of Uncertain Significance.

NM_014244.5(ADAMTS2):c.121G>C (p.Ala41Pro)

Gene: ADAMTS2 (ADAM metallopeptidase with thrombospondin type 1 motif 2; minus strand). Cytogenetic location: 5q35.3.
Variant type: single nucleotide variant.
Coding change: c.121G>C on transcript NM_014244.5 (MANE Select); coding-DNA position 121, G replaced by C.
Protein change: p.Ala41Pro; replaces alanine 41 with proline.
Molecular consequence: missense variant.
Genome position (GRCh38, 1-based): chr5:179,345,208, C>G on the plus strand (G>C on the coding strand, the complement: ADAMTS2 is on the minus strand). VCF-style: chr5-179345208-C-G. GRCh37 (hg19) VCF-style: chr5-178772209-C-G.
Other names: c.121G>C, p.Ala41Pro (NM_021599.4); c.121G>C (NM_014244.4); short protein forms A41P.
Identifiers: ClinVar variation 1414601 (VCV001414601.7), dbSNP rs1757906922, ClinGen allele CA362623765.